The following is an entry in ClinVar:

ClinVar aggregate classification (germline): Uncertain significance (1 of 4 stars; one submission).

Conditions:
RYR1-related disorder. Also called: RYR1-related condition; RYR1-related disorders. Identifiers: MedGen CN239331.

Submission:

Labcorp Genetics (formerly Invitae), Labcorp
Classification: Uncertain significance for RYR1-related disorder. Last evaluated: 2022-11-22. Review status: criteria provided, single submitter. Criteria: Invitae Variant Classification Sherloc (09022015). Collection method: clinical testing. Allele origin: germline.
Comment: In summary, the available evidence is currently insufficient to determine the role of this variant in disease. Therefore, it has been classified as a Variant of Uncertain Significance. Advanced modeling of protein sequence and biophysical properties (such as structural, functional, and spatial information, amino acid conservation, physicochemical variation, residue mobility, and thermodynamic stability) has been performed at Invitae for this missense variant, however the output from this modeling did not meet the statistical confidence thresholds required to predict the impact of this variant on RYR1 protein function. This variant has not been reported in the literature in individuals affected with RYR1-related conditions. This variant is not present in population databases (gnomAD no frequency). This sequence change replaces lysine, which is basic and polar, with arginine, which is basic and polar, at codon 33 of the RYR1 protein (p.Lys33Arg).

NM_000540.3(RYR1):c.98A>G (p.Lys33Arg)

Gene: RYR1 (ryanodine receptor 1; plus strand). Cytogenetic location: 19q13.2.
Variant type: single nucleotide variant.
Coding change: c.98A>G on transcript NM_000540.3 (MANE Select); coding-DNA position 98, A replaced by G.
Protein change: p.Lys33Arg; replaces lysine 33 with arginine.
Molecular consequence: missense variant.
Genome position (GRCh38, 1-based): chr19:38,440,797, A>G. VCF-style: chr19-38440797-A-G. GRCh37 (hg19) VCF-style: chr19-38931437-A-G.
Other names: c.98A>G, p.Lys33Arg (NM_001042723.2); short protein forms K33R.
Identifiers: ClinVar variation 2118550 (VCV002118550.4), dbSNP rs2513956642, ClinGen allele CA405671755.